The following is an entry in ClinVar:

ClinVar aggregate classification (germline): Likely benign. Review status: criteria provided, multiple submitters, no conflicts (2 of 4 stars). 6 submissions from 6 submitters: Likely benign (6). Last evaluated 2026-01-23.

Conditions:
Familial thoracic aortic aneurysm and aortic dissection (TAAD). Also called: Thoracic aortic aneurysms and dissections. Identifiers: Orphanet 91387, MedGen C4707243, MONDO:0019625.
Aortic aneurysm, familial thoracic 4 (AAT4). Also called: AORTIC ANEURYSM/AORTIC DISSECTION AND PATENT DUCTUS ARTERIOSUS. Identifiers: MedGen C1851504, MONDO:0007568, OMIM 132900.

Allele frequency attached by ClinVar (database versions not stated): ExAC 0.00002; gnomAD exomes 0.00002; gnomAD 0.00003 and 0.00004; TOPMed 0.00003.
gnomAD v4.1: 35 of 1,614,002 alleles (0.0022%); highest among the groups gnomAD compares: Admixed American, 0.005%; no homozygotes.

Submissions (6):

Labcorp Genetics (formerly Invitae), Labcorp
Classification: Likely benign for Aortic aneurysm, familial thoracic 4. Last evaluated: 2026-01-23. Review status: criteria provided, single submitter. Criteria: Invitae Variant Classification Sherloc (09022015). Collection method: clinical testing. Allele origin: germline.

Women's Health and Genetics/Laboratory Corporation of America, LabCorp
Classification: Likely benign. Last evaluated: 2024-12-27. Review status: criteria provided, single submitter. Criteria: LabCorp Variant Classification Summary - May 2015. Collection method: clinical testing. Allele origin: germline.

Blueprint Genetics
Classification: Likely benign. Last evaluated: 2022-07-11. Review status: criteria provided, single submitter. Criteria: ACMG Guidelines, 2015. Collection method: clinical testing. Allele origin: germline.

GeneDx
Classification: Likely benign. Last evaluated: 2021-06-01. Review status: criteria provided, single submitter. Criteria: GeneDx Variant Classification Process June 2021. Collection method: clinical testing. Allele origin: germline. Affected: yes.
Comment: See Variant Classification Assertion Criteria.

Ambry Genetics
Classification: Likely benign for Familial thoracic aortic aneurysm and aortic dissection. Last evaluated: 2020-05-09. Review status: criteria provided, single submitter. Criteria: Ambry Variant Classification Scheme 2023. Collection method: clinical testing. Allele origin: germline.

Color Diagnostics, LLC DBA Color Health
Classification: Likely benign for Familial thoracic aortic aneurysm and aortic dissection. Last evaluated: 2018-10-21. Review status: criteria provided, single submitter. Criteria: ACMG Guidelines, 2015. Collection method: clinical testing. Allele origin: germline.

NM_002474.3(MYH11):c.588C>T (p.Ala196=)

Gene: MYH11 (myosin heavy chain 11; minus strand). Cytogenetic location: 16p13.11.
Variant type: single nucleotide variant.
Coding change: c.588C>T on transcript NM_002474.3 (MANE Select); coding-DNA position 588, C replaced by T.
Protein change: p.Ala196=; no amino-acid change (alanine 196 retained).
Molecular consequence: synonymous variant.
Genome position (GRCh38, 1-based): chr16:15,786,675, G>A on the plus strand (C>T on the coding strand, the complement: MYH11 is on the minus strand). VCF-style: chr16-15786675-G-A. GRCh37 (hg19) VCF-style: chr16-15880532-G-A.
Other names: c.588C>T, p.Ala196= (NM_001040113.2, NM_001040114.2, NM_022844.3).
Identifiers: ClinVar variation 629799 (VCV000629799.16), dbSNP rs766469189, ClinGen allele CA7922929.